The following is an entry in ClinVar:

NM_001291303.3(FAT4):c.13462G>A (p.Gly4488Arg)

Gene: FAT4 (FAT atypical cadherin 4; plus strand). Cytogenetic location: 4q28.1.
Variant type: single nucleotide variant.
Coding change: c.13462G>A on transcript NM_001291303.3 (MANE Select); coding-DNA position 13462, G replaced by A.
Protein change: p.Gly4488Arg; replaces glycine 4488 with arginine.
Molecular consequence: missense variant.
Genome position (GRCh38, 1-based): chr4:125,490,278, G>A. VCF-style: chr4-125490278-G-A. GRCh37 (hg19) VCF-style: chr4-126411433-G-A.
Other names: c.13459G>A, p.Gly4487Arg (NM_001291285.3); c.13456G>A, p.Gly4486Arg (NM_024582.6); short protein forms G4486R, G4487R, G4488R.
Identifiers: ClinVar variation 2113376 (VCV002113376.1), dbSNP rs1210716789, ClinGen allele CA358136609.

ClinVar aggregate classification (germline): Uncertain significance (1 of 4 stars; one submission).

Allele frequency attached by ClinVar (database versions not stated): gnomAD exomes below 0.00001; TOPMed below 0.00001; gnomAD 0.00001.
gnomAD v4.1: 5 of 1,613,986 alleles (0.00031%); highest among the groups gnomAD compares: African/African-American, 0.0067%; no homozygotes.

Submission:

Labcorp Genetics (formerly Invitae), Labcorp
Classification: Uncertain significance. Last evaluated: 2022-04-08. Review status: criteria provided, single submitter. Criteria: Invitae Variant Classification Sherloc (09022015). Collection method: clinical testing. Allele origin: germline.
Comment: This sequence change replaces glycine, which is neutral and non-polar, with arginine, which is basic and polar, at codon 4486 of the FAT4 protein (p.Gly4486Arg). This variant is present in population databases (no rsID available, gnomAD 0.01%). This variant has not been reported in the literature in individuals affected with FAT4-related conditions. Advanced modeling of protein sequence and biophysical properties (such as structural, functional, and spatial information, amino acid conservation, physicochemical variation, residue mobility, and thermodynamic stability) performed at Invitae indicates that this missense variant is not expected to disrupt FAT4 protein function. In summary, the available evidence is currently insufficient to determine the role of this variant in disease. Therefore, it has been classified as a Variant of Uncertain Significance.